The following is an entry in ClinVar:

ClinVar aggregate classification (germline): Pathogenic. Review status: reviewed by expert panel (3 of 4 stars). 3 submissions from 3 submitters: Pathogenic (1). 2 of the submissions do not count toward it. Last evaluated 2016-09-08.

Conditions:
Breast-ovarian cancer, familial, susceptibility to, 1 (BROVCA1). Also called: BRCA1 Hereditary Breast and Ovarian Cancer; OVARIAN CANCER, SUSCEPTIBILITY TO. Identifiers: Orphanet 145, MedGen C2676676, MONDO:0011450, OMIM 604370. Disease mechanism: loss of function.

Submissions (3):

Evidence-based Network for the Interpretation of Germline Mutant Alleles (ENIGMA)
Classification: Pathogenic for Breast-ovarian cancer, familial, susceptibility to, 1. Last evaluated: 2016-09-08. Review status: reviewed by expert panel. Criteria: ENIGMA BRCA1/2 Classification Criteria (2015). Collection method: curation. Allele origin: germline.
Comment: Variant allele predicted to encode a truncated non-functional protein.

Consortium of Investigators of Modifiers of BRCA1/2 (CIMBA), c/o University of Cambridge
Classification: Pathogenic for Breast-ovarian cancer, familial, susceptibility to, 1. Last evaluated: 2015-10-02. Review status: criteria provided, single submitter. Criteria: CIMBA Mutation Classification guidelines May 2016. Collection method: clinical testing. Allele origin: germline. Not counted in ClinVar's aggregate classification.

Breast Cancer Information Core (BIC) (BRCA1)
Classification: Pathogenic for Breast-ovarian cancer, familial 1. Last evaluated: 2004-02-20. Review status: no assertion criteria provided. Collection method: clinical testing. Allele origin: germline. Affected: yes. Observed: 1 variant allele. Not counted in ClinVar's aggregate classification.

NM_007294.4(BRCA1):c.3580del (p.Thr1194fs)

Genes: BRCA1 (BRCA1 DNA repair associated; minus strand), LOC126862571 (BRD4-independent group 4 enhancer GRCh37_chr17:41243136-41244335; plus strand). Cytogenetic location: 17q21.31.
Variant type: Deletion.
Coding change: c.3580del on transcript NM_007294.4 (MANE Select); coding-DNA position 3580, one base deleted (A; older notation c.3580delA).
Protein change: p.Thr1194fs; shifts the reading frame from threonine 1194.
Molecular consequence: frameshift variant. On other transcripts: intron variant (135).
Genome position (GRCh38, 1-based): chr17:43,091,951, T deleted on the plus strand (A on the coding strand, the reverse complement: BRCA1 is on the minus strand). VCF-style (leftmost placement, unchanged base first): chr17-43091950-GT-G. GRCh37 (hg19) VCF-style: chr17-41243967-GT-G.
Other names: 3699delA; c.3457del, p.Thr1153fs (NM_001407863.1, NM_001407919.1, NM_001407937.1 and 19 more transcripts); c.3376del, p.Thr1126fs (NM_001407874.1, NM_001407875.1); c.3370del, p.Thr1124fs (NM_001407879.1, NM_001407881.1, NM_001407882.1 and 13 more transcripts); c.3367del, p.Thr1123fs (NM_001407894.1, NM_001407895.1, NM_001407896.1 and 9 more transcripts); c.3316del, p.Thr1106fs (NM_001407920.1, NM_001407921.1, NM_001407922.1 and 9 more transcripts); c.3313del, p.Thr1105fs (NM_001407930.1, NM_001407931.1, NM_001407932.1 and 2 more transcripts); c.3454del, p.Thr1152fs (NM_001407940.1, NM_001407941.1, NM_001407649.1 and 11 more transcripts); and 42 more; short protein forms T1147fs, T1194fs, T1106fs, T1124fs, T1126fs, T1146fs, T1153fs, T1193fs.
Identifiers: ClinVar variation 54921 (VCV000054921.4), dbSNP rs80357663, ClinGen allele CA002279.
Genomic context (GRCh38, chr17:43,091,950, plus strand): 5'-TCTTCTGAGGACTCTAATTTCTTGGCCCCTCTTCGGTAACCCTGAGCCAAATGTGTATGG[GT>G]GAAAGGGCTAGGACTCCTGCTAAGCTCTCCTTTCTGGACGCTTTTGCTAAAAACAGCAGA-3'